The following is an entry in ClinVar:

ClinVar aggregate classification (germline): Uncertain significance. Review status: criteria provided, multiple submitters, no conflicts (2 of 4 stars). 3 submissions from 3 submitters: Uncertain significance (3). Last evaluated 2025-02-26.

Conditions:
Hereditary cancer-predisposing syndrome. Also called: Neoplastic Syndromes, Hereditary; Hereditary neoplastic syndrome; Tumor predisposition; Hereditary Cancer Syndrome. Identifiers: Orphanet 140162, MedGen C0027672, MeSH D009386, MONDO:0015356.
Familial cancer of breast. Also called: hereditary breast carcinoma; BREAST CANCER, FAMILIAL; Hereditary breast cancer. Identifiers: Orphanet 227535, MedGen C0346153, MONDO:0016419, OMIM 114480. Disease mechanism: loss of function.

Allele frequency attached by ClinVar (database versions not stated): gnomAD exomes below 0.00001.
gnomAD v4.1: 1 of 1,614,176 alleles (0.000062%); highest among the groups gnomAD compares: Non-Finnish European, 0.000085%; no homozygotes.

Submissions (3):

Quest Diagnostics Nichols Institute San Juan Capistrano
Classification: Uncertain significance. Last evaluated: 2025-02-26. Review status: criteria provided, single submitter. Criteria: Quest Diagnostics criteria. Collection method: clinical testing. Allele origin: unknown.
Comment: The CDH1 c.458A>G (p.Lys153Arg) variant has not been reported in individuals with CDH1-related conditions in the published literature. It also has not been reported in large, multi-ethnic general populations (Genome Aggregation Database). Analysis of this variant using bioinformatics tools for the prediction of the effect of amino acid changes on protein structure and function yielded conflicting predictions that this variant is benign or damaging. Based on the available information, we are unable to determine the clinical significance of this variant.

Ambry Genetics
Classification: Uncertain significance for Hereditary cancer-predisposing syndrome. Last evaluated: 2024-12-14. Review status: criteria provided, single submitter. Criteria: Ambry Variant Classification Scheme 2023. Collection method: clinical testing. Allele origin: germline.
Comment: The p.K153R variant (also known as c.458A>G), located in coding exon 4 of the CDH1 gene, results from an A to G substitution at nucleotide position 458. The lysine at codon 153 is replaced by arginine, an amino acid with highly similar properties. This amino acid position is conserved. In addition, the in silico prediction for this alteration is inconclusive. Based on the available evidence, the clinical significance of this variant remains unclear.

Baylor Genetics
Classification: Uncertain significance for Familial cancer of breast. Last evaluated: 2023-10-20. Review status: criteria provided, single submitter. Criteria: ACMG Guidelines, 2015. Collection method: clinical testing. Allele origin: unknown.

NM_004360.5(CDH1):c.458A>G (p.Lys153Arg)

Gene: CDH1 (cadherin 1; plus strand). Cytogenetic location: 16q22.1.
Variant type: single nucleotide variant.
Coding change: c.458A>G on transcript NM_004360.5 (MANE Select); coding-DNA position 458, A replaced by G.
Protein change: p.Lys153Arg; replaces lysine 153 with arginine.
Molecular consequence: missense variant. On other transcripts: 5 prime UTR variant (2).
Genome position (GRCh38, 1-based): chr16:68,808,494, A>G. VCF-style: chr16-68808494-A-G. GRCh37 (hg19) VCF-style: chr16-68842397-A-G.
Other names: c.458A>G (NM_004360.4); c.458A>G, p.Lys153Arg (NM_001317184.2); c.-1158A>G (NM_001317185.2); c.-1362A>G (NM_001317186.2); short protein forms K153R.
Identifiers: ClinVar variation 2680426 (VCV002680426.3), dbSNP rs2152129711, ClinGen allele CA396457658.